The following is an entry in ClinVar:

NM_005751.5(AKAP9):c.4953G>T (p.Glu1651Asp)

Genes: AKAP9 (A-kinase anchoring protein 9; plus strand), LOC121175350 (Sharpr-MPRA regulatory region 2641; plus strand). Cytogenetic location: 7q21.2.
Variant type: single nucleotide variant.
Coding change: c.4953G>T on transcript NM_005751.5 (MANE Select); coding-DNA position 4953, G replaced by T.
Protein change: p.Glu1651Asp; replaces glutamic acid 1651 with aspartic acid.
Molecular consequence: missense variant.
Genome position (GRCh38, 1-based): chr7:92,042,081, G>T. VCF-style: chr7-92042081-G-T. GRCh37 (hg19) VCF-style: chr7-91671395-G-T.
Other names: c.4953G>T, p.Glu1651Asp (NM_147185.3); short protein forms E1651D.
Identifiers: ClinVar variation 2564488 (VCV002564488.2), dbSNP rs2484820521, ClinGen allele CA368129965.

ClinVar aggregate classification (germline): Uncertain significance (1 of 4 stars; one submission).

Conditions:
Cardiovascular phenotype. Identifiers: MedGen CN230736.

Submission:

Ambry Genetics
Classification: Uncertain significance for Cardiovascular phenotype. Last evaluated: 2023-06-01. Review status: criteria provided, single submitter. Criteria: Ambry Variant Classification Scheme 2023. Collection method: clinical testing. Allele origin: germline.
Comment: The p.E1651D variant (also known as c.4953G>T), located in coding exon 19 of the AKAP9 gene, results from a G to T substitution at nucleotide position 4953. The glutamic acid at codon 1651 is replaced by aspartic acid, an amino acid with highly similar properties. This amino acid position is conserved. In addition, this alteration is predicted to be tolerated by in silico analysis. Since supporting evidence is limited at this time, the clinical significance of this alteration remains unclear.